The following is an entry in ClinVar:

ClinVar aggregate classification (germline): Pathogenic (1 of 4 stars; one submission).

Conditions:
Neurofibromatosis, type 1 (NF1). Also called: Neurofibromatosis, type I; Peripheral type neurofibromatosis; VON RECKLINGHAUSEN DISEASE; NEUROFIBROMATOSIS, TYPE I, SOMATIC. Identifiers: Orphanet 636, MedGen C0027831, MONDO:0018975, OMIM 162200. Disease mechanism: loss of function.

Submission:

Labcorp Genetics (formerly Invitae), Labcorp
Classification: Pathogenic for Neurofibromatosis, type 1. Last evaluated: 2023-08-16. Review status: criteria provided, single submitter. Criteria: Invitae Variant Classification Sherloc (09022015). Collection method: clinical testing. Allele origin: germline.
Comment: ClinVar contains an entry for this variant (Variation ID: 968428). For these reasons, this variant has been classified as Pathogenic. This sequence change creates a premature translational stop signal (p.Cys454*) in the NF1 gene. It is expected to result in an absent or disrupted protein product. Loss-of-function variants in NF1 are known to be pathogenic (PMID: 10712197, 23913538). This variant is not present in population databases (gnomAD no frequency). This variant has not been reported in the literature in individuals affected with NF1-related conditions.

Literature cited by the submitters: PubMed 10712197; PubMed 23913538.

NM_001042492.3(NF1):c.1362T>A (p.Cys454Ter)

Gene: NF1 (neurofibromin 1; plus strand). Cytogenetic location: 17q11.2.
Variant type: single nucleotide variant.
Coding change: c.1362T>A on transcript NM_001042492.3 (MANE Select); coding-DNA position 1362, T replaced by A.
Protein change: p.Cys454Ter; replaces cysteine 454 with a stop codon.
Molecular consequence: nonsense.
Genome position (GRCh38, 1-based): chr17:31,206,341, T>A. VCF-style: chr17-31206341-T-A. GRCh37 (hg19) VCF-style: chr17-29533359-T-A.
Other names: c.1362T>A, p.Cys454Ter (NM_001128147.3, NM_000267.4); short protein forms C454*.
Identifiers: ClinVar variation 968428 (VCV000968428.6), dbSNP rs2066621671, ClinGen allele CA398999717.